The following is an entry in ClinVar:

ClinVar aggregate classification (germline): Conflicting classifications of pathogenicity. Review status: criteria provided, conflicting classifications (1 of 4 stars). 7 submissions from 7 submitters: Uncertain significance (5); Likely benign (2). Last evaluated 2025-08-07.

Allele frequency attached by ClinVar (database versions not stated): TOPMed 0.00001; gnomAD exomes 0.00002; gnomAD 0.00003; ExAC 0.00004; ESP Exome Variant Server 0.00008.
gnomAD v4.1: 28 of 1,612,734 alleles (0.0017%); highest among the groups gnomAD compares: Non-Finnish European, 0.0022%; no homozygotes.

Submissions (7):

Revvity Omics, Revvity
Classification: Uncertain significance. Last evaluated: 2025-08-07. Review status: criteria provided, single submitter. Criteria: ACMG Guidelines, 2015. Collection method: clinical testing. Allele origin: germline.

Molecular Diagnostic Laboratory for Inherited Cardiovascular Disease, Montreal Heart Institute
Classification: Likely benign. Last evaluated: 2025-04-09. Review status: criteria provided, single submitter. Criteria: ACMG Guidelines, 2015. Collection method: clinical testing. Allele origin: germline. Affected: no.

Mayo Clinic Laboratories, Mayo Clinic
Classification: Uncertain significance. Last evaluated: 2022-10-27. Review status: criteria provided, single submitter. Criteria: ACMG Guidelines, 2015. Collection method: clinical testing. Allele origin: germline. Observed: 1 variant allele.
Comment: PP3

CeGaT Center for Human Genetics Tuebingen
Classification: Uncertain significance. Last evaluated: 2021-08-01. Review status: criteria provided, single submitter. Criteria: CeGaT Center For Human Genetics Tuebingen Variant Classification Criteria Version 2. Collection method: clinical testing. Allele origin: germline. Affected: yes. Observed: 2 variant alleles.

GeneDx
Classification: Likely benign. Last evaluated: 2021-05-03. Review status: criteria provided, single submitter. Criteria: GeneDx Variant Classification Process June 2021. Collection method: clinical testing. Allele origin: germline. Affected: yes.

ARUP Laboratories, Molecular Genetics and Genomics, ARUP Laboratories
Classification: Uncertain significance. Last evaluated: 2019-05-27. Review status: criteria provided, single submitter. Criteria: ARUP Molecular Germline Variant Investigation Process. Collection method: clinical testing. Allele origin: germline.
Comment: The TTN c.73765T>C; p.Tyr24589His variant (rs371821218; ClinVar Variation ID: 594120) is rare in the general population (<1% allele frequency in the Genome Aggregation Database) and has not been reported in the medical literature in association with dilated cardiomyopathy (DCM) or other TTN-related disease. The clinical relevance of rare missense variants in this gene, which are identified on average once per individual sequenced in affected populations (Herman 2012), is not well understood. Yet, evidence suggests that the vast majority of such missense variants do not contribute to the clinical outcome of DCM (Begay 2015). Thus, the clinical significance of the p.Tyr24589His variant cannot be determined with certainty. References: Begay RL et al. Role of Titin Missense Variants in Dilated Cardiomyopathy. J Am Heart Assoc. 2015 Nov 13;4(11). Herman DS et al. Truncations of titin causing dilated cardiomyopathy. N Engl J Med. 2012 Feb 16;366(7):619-28. Linke and Hamdani. Gigantic business: titin properties and function through thick and thin. Circ Res 2014; 114(6): 1052-1068.

Eurofins Ntd Llc (ga)
Classification: Uncertain significance. Last evaluated: 2017-09-19. Review status: criteria provided, single submitter. Criteria: EGL Classification Definitions 2015. Collection method: clinical testing. Allele origin: germline. Observed: 2 variant alleles, 2 heterozygotes.

NM_001267550.2(TTN):c.73765T>C (p.Tyr24589His)

Genes: TTN (titin; minus strand), TTN-AS1 (TTN antisense RNA 1; plus strand). Cytogenetic location: 2q31.2.
Variant type: single nucleotide variant.
Coding change: c.73765T>C on transcript NM_001267550.2 (MANE Select); coding-DNA position 73765, T replaced by C.
Protein change: p.Tyr24589His; replaces tyrosine 24589 with histidine.
Molecular consequence: missense variant.
Genome position (GRCh38, 1-based): chr2:178,572,367, A>G on the plus strand (T>C on the coding strand, the complement: TTN is on the minus strand). VCF-style: chr2-178572367-A-G. GRCh37 (hg19) VCF-style: chr2-179437094-A-G.
Other names: p.Tyr22021His; c.68842T>C, p.Tyr22948His (NM_001256850.1); c.46570T>C, p.Tyr15524His (NM_003319.4); c.66061T>C, p.Tyr22021His (NM_133378.4); c.46945T>C, p.Tyr15649His (NM_133432.3); c.47146T>C, p.Tyr15716His (NM_133437.4); short protein forms Y22021H, Y24589H, Y15649H, Y15716H, Y15524H, Y22948H.
Identifiers: ClinVar variation 594120 (VCV000594120.55), dbSNP rs371821218, ClinGen allele CA1990318.